The following is an entry in ClinVar:

ClinVar aggregate classification (germline): Uncertain significance. Review status: criteria provided, multiple submitters, no conflicts (2 of 4 stars). 2 submissions from 2 submitters: Uncertain significance (2). Last evaluated 2022-12-28.

Allele frequency attached by ClinVar (database versions not stated): gnomAD exomes 0.00001 and 0.00003; ExAC 0.00003; TOPMed 0.00003; gnomAD 0.00005.
gnomAD v4.1: 25 of 1,613,452 alleles (0.0015%); highest among the groups gnomAD compares: Non-Finnish European, 0.0019%; no homozygotes.

Submissions (2):

Ambry Genetics
Classification: Uncertain significance. Last evaluated: 2022-12-28. Review status: criteria provided, single submitter. Criteria: Ambry Variant Classification Scheme 2023. Collection method: clinical testing. Allele origin: germline.

Labcorp Genetics (formerly Invitae), Labcorp
Classification: Uncertain significance. Last evaluated: 2022-07-17. Review status: criteria provided, single submitter. Criteria: Invitae Variant Classification Sherloc (09022015). Collection method: clinical testing. Allele origin: germline.
Comment: This sequence change replaces asparagine, which is neutral and polar, with serine, which is neutral and polar, at codon 1596 of the CCDC88A protein (p.Asn1596Ser). This variant is present in population databases (rs753891870, gnomAD 0.007%). This variant has not been reported in the literature in individuals affected with CCDC88A-related conditions. ClinVar contains an entry for this variant (Variation ID: 1417946). Algorithms developed to predict the effect of missense changes on protein structure and function are either unavailable or do not agree on the potential impact of this missense change (SIFT: "Tolerated"; PolyPhen-2: "Probably Damaging"; Align-GVGD: "Class C0"). In summary, the available evidence is currently insufficient to determine the role of this variant in disease. Therefore, it has been classified as a Variant of Uncertain Significance.

NM_001365480.1(CCDC88A):c.4790A>G (p.Asn1597Ser)

Gene: CCDC88A (coiled-coil domain containing 88A; minus strand). Cytogenetic location: 2p16.1.
Variant type: single nucleotide variant.
Coding change: c.4790A>G on transcript NM_001365480.1 (MANE Select); coding-DNA position 4790, A replaced by G.
Protein change: p.Asn1597Ser; replaces asparagine 1597 with serine.
Molecular consequence: missense variant.
Genome position (GRCh38, 1-based): chr2:55,299,874, T>C on the plus strand (A>G on the coding strand, the complement: CCDC88A is on the minus strand). VCF-style: chr2-55299874-T-C. GRCh37 (hg19) VCF-style: chr2-55527010-T-C.
Other names: c.4787A>G, p.Asn1596Ser (NM_001135597.2, NM_001254943.2); c.4706A>G, p.Asn1569Ser (NM_018084.5); c.4787A>G (NM_001135597.1); short protein forms N1569S, N1597S, N1596S.
Identifiers: ClinVar variation 1417946 (VCV001417946.6), dbSNP rs753891870, ClinGen allele CA1665477.